The following is an entry in ClinVar:

NM_002641.4(PIGA):c.751T>C (p.Cys251Arg)

Gene: PIGA (phosphatidylinositol glycan anchor biosynthesis class A; minus strand). Cytogenetic location: Xp22.2.
Variant type: single nucleotide variant.
Coding change: c.751T>C on transcript NM_002641.4 (MANE Select); coding-DNA position 751, T replaced by C.
Protein change: p.Cys251Arg; replaces cysteine 251 with arginine.
Molecular consequence: missense variant. On other transcripts: non-coding transcript variant (4).
Genome position (GRCh38, 1-based): chrX:15,326,011, A>G on the plus strand (T>C on the coding strand, the complement: PIGA is on the minus strand). VCF-style: chrX-15326011-A-G. GRCh37 (hg19) VCF-style: chrX-15344133-A-G.
Other names: c.844T>C, p.Cys282Arg (NM_001440789.1); c.142T>C, p.Cys48Arg (NM_001440790.1); c.49T>C, p.Cys17Arg (NM_020473.3); short protein forms C17R, C251R, C282R, C48R.
Identifiers: ClinVar variation 4686666 (VCV004686666.1).

ClinVar aggregate classification (germline): Likely pathogenic (1 of 4 stars; one submission).

Conditions:
Multiple congenital anomalies-hypotonia-seizures syndrome 2 (MCAHS2). Also called: EPILEPTIC ENCEPHALOPATHY, EARLY INFANTILE, 20; GLYCOSYLPHOSPHATIDYLINOSITOL BIOSYNTHESIS DEFECT 4. Identifiers: Orphanet 300496, MedGen C3275508, MONDO:0010466, OMIM 300868.

Submission:

Neurology Department, Soochow Children's Hospital
Classification: Likely pathogenic for Multiple congenital anomalies-hypotonia-seizures syndrome 2. Last evaluated: 2025-12-18. Review status: criteria provided, single submitter. Criteria: ACMG Guidelines, 2015. Collection method: clinical testing. Allele origin: de novo. Inheritance: X-linked recessive inheritance. Affected: yes. Observed: 1 hemizygote.
Comment: The c.751T＞C(p.C251R) variant has not been reported in the literature. As a de novo variant (PS2), it is not included in the normal population database (PM2_Supporting) and is predicted to be highly damaging to the protein structure by SIFT, PolyPhen-2, and MutationTaster (PP3). The variant was defined as likely pathogenic (PS2+PM2_Supporting +PP3).

Literature cited by the submitters: PubMed 32901917.